The following is an entry in ClinVar:

NM_001166108.2(PALLD):c.1965-12985G>A

Gene: PALLD (palladin, cytoskeletal associated protein; plus strand). Cytogenetic location: 4q32.3.
Variant type: single nucleotide variant.
Coding change: c.1965-12985G>A on transcript NM_001166108.2 (MANE Select); 12985 bases into the intron before coding-DNA position 1965, G replaced by A.
Molecular consequence: intron variant. On other transcripts: missense variant (1).
Genome position (GRCh38, 1-based): chr4:168,877,937, G>A. VCF-style: chr4-168877937-G-A. GRCh37 (hg19) VCF-style: chr4-169799088-G-A.
Other names: c.46G>A (NM_001166110.1); c.46G>A, p.Gly16Ser (NM_001166110.2); c.1965-12985G>A (NM_016081.4); c.819-12985G>A (NM_001166109.2); c.-157-12985G>A (NM_001367570.1, NM_001367568.1, NM_001367567.1 and 1 more transcripts); short protein forms G16S.
Identifiers: ClinVar variation 2905312 (VCV002905312.4), dbSNP rs925028358, ClinGen allele CA358794778.

ClinVar aggregate classification (germline): Uncertain significance. Review status: criteria provided, multiple submitters, no conflicts (2 of 4 stars). 2 submissions from 2 submitters: Uncertain significance (2). Last evaluated 2025-04-28.

Conditions:
Pancreatic adenocarcinoma. Identifiers: MedGen C0281361, MONDO:0006047, HP:0006725.

Allele frequency attached by ClinVar (database versions not stated): TOPMed below 0.00001.

Submissions (2):

Labcorp Genetics (formerly Invitae), Labcorp
Classification: Uncertain significance for Pancreatic adenocarcinoma. Last evaluated: 2025-04-28. Review status: criteria provided, single submitter. Criteria: Invitae Variant Classification Sherloc (09022015). Collection method: clinical testing. Allele origin: germline.
Comment: This sequence change replaces glycine, which is neutral and non-polar, with serine, which is neutral and polar, at codon 16 of the PALLD protein (p.Gly16Ser). This variant is not present in population databases (gnomAD no frequency). This variant has not been reported in the literature in individuals affected with PALLD-related conditions. ClinVar contains an entry for this variant (Variation ID: 2905312). An algorithm developed to predict the effect of missense changes on protein structure and function (PolyPhen-2) suggests that this variant is likely to be tolerated. In summary, the available evidence is currently insufficient to determine the role of this variant in disease. Therefore, it has been classified as a Variant of Uncertain Significance.

Ambry Genetics
Classification: Uncertain significance. Last evaluated: 2024-11-22. Review status: criteria provided, single submitter. Criteria: Ambry Variant Classification Scheme 2023. Collection method: clinical testing. Allele origin: germline.
Comment: The p.G16S variant (also known as c.46G>A), located in coding exon 1 of the PALLD gene, results from a G to A substitution at nucleotide position 46. The glycine at codon 16 is replaced by serine, an amino acid with similar properties. This amino acid position is conserved. In addition, this alteration is predicted to be tolerated by in silico analysis. Based on the available evidence, the clinical significance of this variant remains unclear.